The following is an entry in ClinVar:

NM_005475.3(SH2B3):c.640G>C (p.Gly214Arg)

Gene: SH2B3 (SH2B adaptor protein 3; plus strand). Cytogenetic location: 12q24.12.
Variant type: single nucleotide variant.
Coding change: c.640G>C on transcript NM_005475.3 (MANE Select); coding-DNA position 640, G replaced by C.
Protein change: p.Gly214Arg; replaces glycine 214 with arginine.
Molecular consequence: missense variant.
Genome position (GRCh38, 1-based): chr12:111,418,785, G>C. VCF-style: chr12-111418785-G-C. GRCh37 (hg19) VCF-style: chr12-111856589-G-C.
Other names: short protein forms G214R.
Identifiers: ClinVar variation 3795169 (VCV003795169.1).
Genomic context (GRCh38, chr12:111,418,785, plus strand): 5'-GAGGCGCTGAAGGAGGCGGTGCTGCGCTACAGCCTGGCCGACGAGGCCTCCATGGACAGC[G>C]GGGCACGCTGGCAGCGCGGGAGGCTGGCGCTGCGCCGGGCCCCGGGCCCCGATGGCCCCG-3'
Protein context (NP_005466.1, residues 204-224): SLADEASMDS[Gly214Arg]ARWQRGRLAL

ClinVar aggregate classification (germline): Uncertain significance (1 of 4 stars; one submission).

Conditions:
Inborn genetic diseases. Identifiers: MedGen C0950123, MeSH D030342.

Submission:

Ambry Genetics
Classification: Uncertain significance for Inborn genetic diseases. Last evaluated: 2025-02-05. Review status: criteria provided, single submitter. Criteria: Ambry Variant Classification Scheme 2023. Collection method: clinical testing. Allele origin: germline.
Comment: The p.G214R variant (also known as c.640G>C), located in coding exon 1 of the SH2B3 gene, results from a G to C substitution at nucleotide position 640. The glycine at codon 214 is replaced by arginine, an amino acid with dissimilar properties. This amino acid position is conserved. In addition, the in silico prediction for this alteration is inconclusive. Based on the available evidence, the clinical significance of this variant remains unclear.